The following is an entry in ClinVar:

NM_033225.6(CSMD1):c.1381C>A (p.Arg461=)

Genes: CSMD1 (CUB and Sushi multiple domains 1; minus strand), LOC126860287 (BRD4-independent group 4 enhancer GRCh37_chr8:3350221-3351420; plus strand). Cytogenetic location: 8p23.2.
Variant type: single nucleotide variant.
Coding change: c.1381C>A on transcript NM_033225.6 (MANE Select); coding-DNA position 1381, C replaced by A.
Protein change: p.Arg461=; no amino-acid change (arginine 461 retained).
Molecular consequence: synonymous variant.
Genome position (GRCh38, 1-based): chr8:3,493,690, G>T on the plus strand (C>A on the coding strand, the complement: CSMD1 is on the minus strand). VCF-style: chr8-3493690-G-T. GRCh37 (hg19) VCF-style: chr8-3351212-G-T.
Identifiers: ClinVar variation 3052396 (VCV003052396.2), dbSNP rs776858109, ClinGen allele CA4608900.

ClinVar aggregate classification (germline): Likely benign (0 of 4 stars; one submission).

Conditions:
CSMD1-related disorder. Also called: CSMD1-related condition.

Allele frequency attached by ClinVar (database versions not stated): ExAC 0.00001.
gnomAD v4.1: 4 of 1,611,916 alleles (0.00025%); highest among the groups gnomAD compares: Non-Finnish European, 0.00025%; no homozygotes.

Submission:

PreventionGenetics, part of Exact Sciences
Classification: Likely benign for CSMD1-related condition. Last evaluated: 2019-09-05. Review status: no assertion criteria provided. Collection method: clinical testing. Allele origin: germline.
Comment: This variant is classified as likely benign based on ACMG/AMP sequence variant interpretation guidelines (Richards et al. 2015 PMID: 25741868, with internal and published modifications).